The following is an entry in ClinVar:

ClinVar aggregate classification (germline): Uncertain significance. Review status: criteria provided, multiple submitters, no conflicts (2 of 4 stars). 4 submissions from 4 submitters: Uncertain significance (4). Last evaluated 2024-10-09.

Conditions:
Inborn genetic diseases. Identifiers: MedGen C0950123, MeSH D030342.
Primary ciliary dyskinesia 33. Also called: CILIARY DYSKINESIA, PRIMARY, 33, WITHOUT SITUS INVERSUS. Identifiers: Orphanet 244, MedGen C4225230, MONDO:0014750, OMIM 616726.

Allele frequency attached by ClinVar (database versions not stated): TOPMed 0.00002; gnomAD exomes 0.00007; gnomAD 0.00008; ExAC 0.00013; 1000 Genomes Project 30x 0.00094; 1000 Genomes Project 0.00120.
gnomAD v4.1: 116 of 1,612,810 alleles (0.0072%); highest among the groups gnomAD compares: South Asian, 0.11%; no homozygotes.

Submissions (4):

Ambry Genetics
Classification: Uncertain significance for Inborn genetic diseases. Last evaluated: 2024-10-09. Review status: criteria provided, single submitter. Criteria: Ambry Variant Classification Scheme 2023. Collection method: clinical testing. Allele origin: germline.

Genomic Medicine Center of Excellence, King Faisal Specialist Hospital and Research Centre
Classification: Uncertain significance for Primary ciliary dyskinesia 33. Last evaluated: 2024-04-04. Review status: criteria provided, single submitter. Criteria: ACMG Guidelines, 2015. Collection method: clinical testing. Allele origin: germline.

Labcorp Genetics (formerly Invitae), Labcorp
Classification: Uncertain significance for Primary ciliary dyskinesia 33. Last evaluated: 2022-10-17. Review status: criteria provided, single submitter. Criteria: Invitae Variant Classification Sherloc (09022015). Collection method: clinical testing. Allele origin: germline.
Comment: This sequence change replaces lysine, which is basic and polar, with arginine, which is basic and polar, at codon 304 of the GAS8 protein (p.Lys304Arg). This variant is present in population databases (rs557533505, gnomAD 0.09%). This variant has not been reported in the literature in individuals affected with GAS8-related conditions. Advanced modeling of protein sequence and biophysical properties (such as structural, functional, and spatial information, amino acid conservation, physicochemical variation, residue mobility, and thermodynamic stability) performed at Invitae indicates that this missense variant is not expected to disrupt GAS8 protein function. In summary, the available evidence is currently insufficient to determine the role of this variant in disease. Therefore, it has been classified as a Variant of Uncertain Significance.

Blueprint Genetics
Classification: Uncertain significance. Last evaluated: 2021-07-08. Review status: criteria provided, single submitter. Criteria: ACMG Guidelines, 2015. Collection method: clinical testing. Allele origin: germline.

NM_001481.3(DRC4):c.911A>G (p.Lys304Arg)

Gene: DRC4 (dynein regulatory complex subunit 4; plus strand). Cytogenetic location: 16q24.3.
Variant type: single nucleotide variant.
Coding change: c.911A>G on transcript NM_001481.3 (MANE Select); coding-DNA position 911, A replaced by G.
Protein change: p.Lys304Arg; replaces lysine 304 with arginine.
Molecular consequence: missense variant.
Genome position (GRCh38, 1-based): chr16:90,037,386, A>G. VCF-style: chr16-90037386-A-G. GRCh37 (hg19) VCF-style: chr16-90103794-A-G.
Other names: c.662A>G, p.Lys221Arg (NM_001286205.2); c.335A>G, p.Lys112Arg (NM_001286208.2); c.836A>G, p.Lys279Arg (NM_001286209.2); c.911A>G (NM_001481.2); short protein forms K112R, K221R, K304R, K279R.
Identifiers: ClinVar variation 2039227 (VCV002039227.4), dbSNP rs557533505, ClinGen allele CA8258015.
Genomic context (GRCh38, chr16:90,037,386, plus strand): 5'-AGAAGGCTCGGGAGGAGATGAGCGAGATGCAGAAACAGCTCGCAAACTACGAGAGGGACA[A>G]GCAGATCCTGCTTGTGAGTTTCCCGCTGGATTCCTCTCCCTCCTTGGCATGAGCTTGCCT-3'
Protein context (NP_001472.1, residues 294-314): QKQLANYERD[Lys304Arg]QILLCTKARL